The following is an entry in ClinVar:

NM_203290.4(POLR1C):c.166A>G (p.Met56Val)

Gene: POLR1C (RNA polymerase I and III subunit C; plus strand). Cytogenetic location: 6p21.1.
Variant type: single nucleotide variant.
Coding change: c.166A>G on transcript NM_203290.4 (MANE Select); coding-DNA position 166, A replaced by G.
Protein change: p.Met56Val; replaces methionine 56 with valine.
Molecular consequence: missense variant.
Genome position (GRCh38, 1-based): chr6:43,519,357, A>G. VCF-style: chr6-43519357-A-G. GRCh37 (hg19) VCF-style: chr6-43487095-A-G.
Other names: c.166A>G, p.Met56Val (NM_001318876.2, NM_001363658.2); c.166A>G (NM_203290.2); short protein forms M56V.
Identifiers: ClinVar variation 1950516 (VCV001950516.6), dbSNP rs769025465, ClinGen allele CA138322639.

ClinVar aggregate classification (germline): Uncertain significance. Review status: criteria provided, multiple submitters, no conflicts (2 of 4 stars). 2 submissions from 2 submitters: Uncertain significance (2). Last evaluated 2024-10-16.

Conditions:
Inborn genetic diseases. Identifiers: MedGen C0950123, MeSH D030342.

Allele frequency attached by ClinVar (database versions not stated): gnomAD exomes 0.00003.

Submissions (2):

Labcorp Genetics (formerly Invitae), Labcorp
Classification: Uncertain significance. Last evaluated: 2024-10-16. Review status: criteria provided, single submitter. Criteria: Invitae Variant Classification Sherloc (09022015). Collection method: clinical testing. Allele origin: germline.
Comment: This sequence change replaces methionine, which is neutral and non-polar, with valine, which is neutral and non-polar, at codon 56 of the POLR1C protein (p.Met56Val). This variant is present in population databases (rs769025465, gnomAD 0.003%). This variant has not been reported in the literature in individuals affected with POLR1C-related conditions. ClinVar contains an entry for this variant (Variation ID: 1950516). Invitae Evidence Modeling of protein sequence and biophysical properties (such as structural, functional, and spatial information, amino acid conservation, physicochemical variation, residue mobility, and thermodynamic stability) indicates that this missense variant is not expected to disrupt POLR1C protein function with a negative predictive value of 80%. In summary, the available evidence is currently insufficient to determine the role of this variant in disease. Therefore, it has been classified as a Variant of Uncertain Significance.

Ambry Genetics
Classification: Uncertain significance for Inborn genetic diseases. Last evaluated: 2024-09-02. Review status: criteria provided, single submitter. Criteria: Ambry Variant Classification Scheme 2023. Collection method: clinical testing. Allele origin: germline.